The following is an entry in ClinVar:

ClinVar aggregate classification (germline): Uncertain significance (1 of 4 stars; one submission).

Submission:

GeneDx
Classification: Uncertain significance. Last evaluated: 2023-01-26. Review status: criteria provided, single submitter. Criteria: GeneDx Variant Classification Process June 2021. Collection method: clinical testing. Allele origin: germline. Affected: yes.
Comment: Not observed at significant frequency in large population cohorts (gnomAD); In silico analysis supports that this missense variant does not alter protein structure/function; Has not been previously published as pathogenic or benign to our knowledge

NM_006236.3(POU3F3):c.280G>A (p.Ala94Thr)

Gene: POU3F3 (POU class 3 homeobox 3; plus strand). Cytogenetic location: 2q12.1.
Variant type: single nucleotide variant.
Coding change: c.280G>A on transcript NM_006236.3 (MANE Select); coding-DNA position 280, G replaced by A.
Protein change: p.Ala94Thr; replaces alanine 94 with threonine.
Molecular consequence: missense variant.
Genome position (GRCh38, 1-based): chr2:104,855,790, G>A. VCF-style: chr2-104855790-G-A. GRCh37 (hg19) VCF-style: chr2-105472248-G-A.
Other names: short protein forms A94T.
Identifiers: ClinVar variation 2574444 (VCV002574444.1), dbSNP rs2466874503, ClinGen allele CA348096405.